The following is an entry in ClinVar:

NM_005257.6(GATA6):c.1624G>A (p.Gly542Ser)

Gene: GATA6 (GATA binding protein 6; plus strand). Cytogenetic location: 18q11.2.
Variant type: single nucleotide variant.
Coding change: c.1624G>A on transcript NM_005257.6 (MANE Select); coding-DNA position 1624, G replaced by A.
Protein change: p.Gly542Ser; replaces glycine 542 with serine.
Molecular consequence: missense variant.
Genome position (GRCh38, 1-based): chr18:22,200,659, G>A. VCF-style: chr18-22200659-G-A. GRCh37 (hg19) VCF-style: chr18-19780622-G-A.
Other names: short protein forms G542S.
Identifiers: ClinVar variation 572437 (VCV000572437.6), dbSNP rs1568011554, ClinGen allele CA401803015.

ClinVar aggregate classification (germline): Uncertain significance (1 of 4 stars; one submission).

Conditions:
Atrioventricular septal defect 5 (AVSD5). Identifiers: MedGen C3280939, MONDO:0013769, OMIM 614474.

Allele frequency attached by ClinVar (database versions not stated): gnomAD exomes below 0.00001; gnomAD 0.00001.
gnomAD v4.1: 2 of 1,614,116 alleles (0.00012%); highest among the groups gnomAD compares: Middle Eastern, 0.016%; no homozygotes.

Submission:

Labcorp Genetics (formerly Invitae), Labcorp
Classification: Uncertain significance for Atrioventricular septal defect 5. Last evaluated: 2021-09-01. Review status: criteria provided, single submitter. Criteria: Invitae Variant Classification Sherloc (09022015). Collection method: clinical testing. Allele origin: germline.
Comment: This sequence change replaces glycine with serine at codon 542 of the GATA6 protein (p.Gly542Ser). The glycine residue is weakly conserved and there is a small physicochemical difference between glycine and serine. This variant is not present in population databases (ExAC no frequency). This variant has not been reported in the literature in individuals affected with GATA6-related conditions. Algorithms developed to predict the effect of missense changes on protein structure and function output the following: SIFT: "Tolerated"; PolyPhen-2: "Benign"; Align-GVGD: "Class C0". The serine amino acid residue is found in multiple mammalian species, which suggests that this missense change does not adversely affect protein function. In summary, the available evidence is currently insufficient to determine the role of this variant in disease. Therefore, it has been classified as a Variant of Uncertain Significance.